The following is an entry in ClinVar:

ClinVar aggregate classification (germline): Uncertain significance (1 of 4 stars; one submission).

Submission:

Labcorp Genetics (formerly Invitae), Labcorp
Classification: Uncertain significance. Last evaluated: 2024-07-25. Review status: criteria provided, single submitter. Criteria: Invitae Variant Classification Sherloc (09022015). Collection method: clinical testing. Allele origin: germline.
Comment: This sequence change replaces leucine, which is neutral and non-polar, with arginine, which is basic and polar, at codon 1269 of the POLE protein (p.Leu1269Arg). This variant is not present in population databases (gnomAD no frequency). This variant has not been reported in the literature in individuals affected with POLE-related conditions. Advanced modeling of protein sequence and biophysical properties (such as structural, functional, and spatial information, amino acid conservation, physicochemical variation, residue mobility, and thermodynamic stability) performed at Invitae indicates that this missense variant is not expected to disrupt POLE protein function with a negative predictive value of 80%. In summary, the available evidence is currently insufficient to determine the role of this variant in disease. Therefore, it has been classified as a Variant of Uncertain Significance.

NM_006231.4(POLE):c.3806T>G (p.Leu1269Arg)

Gene: POLE (DNA polymerase epsilon, catalytic subunit; minus strand). Cytogenetic location: 12q24.33.
Variant type: single nucleotide variant.
Coding change: c.3806T>G on transcript NM_006231.4 (MANE Select); coding-DNA position 3806, T replaced by G.
Protein change: p.Leu1269Arg; replaces leucine 1269 with arginine.
Molecular consequence: missense variant.
Genome position (GRCh38, 1-based): chr12:132,649,505, A>C on the plus strand (T>G on the coding strand, the complement: POLE is on the minus strand). VCF-style: chr12-132649505-A-C. GRCh37 (hg19) VCF-style: chr12-133226091-A-C.
Other names: short protein forms L1269R.
Identifiers: ClinVar variation 3672773 (VCV003672773.2).